The following is an entry in ClinVar:

ClinVar aggregate classification (germline): Likely benign. Review status: criteria provided, multiple submitters, no conflicts (2 of 4 stars). 3 submissions from 3 submitters: Likely benign (3). Last evaluated 2026-01-12.

Conditions:
Spastic paraplegia. Identifiers: MedGen C0037772, HP:0001258.

Allele frequency attached by ClinVar (database versions not stated): ESP Exome Variant Server 0.00008; ExAC 0.00015; gnomAD exomes 0.00015 and 0.00028; TOPMed 0.00016; gnomAD 0.00020 and 0.00021.
gnomAD v4.1: 430 of 1,614,096 alleles (0.027%); highest among the groups gnomAD compares: Non-Finnish European, 0.034%; no homozygotes.

Submissions (3):

Labcorp Genetics (formerly Invitae), Labcorp
Classification: Likely benign for Spastic paraplegia. Last evaluated: 2026-01-12. Review status: criteria provided, single submitter. Criteria: Invitae Variant Classification Sherloc (09022015). Collection method: clinical testing. Allele origin: germline.

Mayo Clinic Laboratories, Mayo Clinic
Classification: Likely benign. Last evaluated: 2024-11-12. Review status: criteria provided, single submitter. Criteria: ACMG Guidelines, 2015. Collection method: clinical testing. Allele origin: germline. Observed: 1 variant allele.
Comment: BP4, BP7

Blueprint Genetics
Classification: Likely benign. Last evaluated: 2024-07-29. Review status: criteria provided, single submitter. Criteria: ACMG Guidelines, 2015. Collection method: clinical testing. Allele origin: germline.

NM_014231.5(VAMP1):c.114G>A (p.Gln38=)

Genes: TAPBPL (TAP binding protein like; plus strand), VAMP1 (vesicle associated membrane protein 1; minus strand). Cytogenetic location: 12p13.31.
Variant type: single nucleotide variant.
Coding change: c.114G>A on transcript NM_014231.5 (MANE Select); coding-DNA position 114, G replaced by A.
Protein change: p.Gln38=; no amino-acid change (glutamine 38 retained).
Molecular consequence: synonymous variant.
Genome position (GRCh38, 1-based): chr12:6,466,240, C>T on the plus strand (G>A on the coding strand, the complement: VAMP1 is on the minus strand). VCF-style: chr12-6466240-C-T. GRCh37 (hg19) VCF-style: chr12-6575406-C-T.
Other names: p.Gln38=; c.114G>A, p.Gln38= (NM_001297438.2, NM_016830.4, NM_199245.3).
Identifiers: ClinVar variation 696949 (VCV000696949.12), dbSNP rs145088983, ClinGen allele CA6407714.
Genomic context (GRCh38, chr12:6,466,240, plus strand): 5'-AACTCCTAGATTTGGAAACTTTCAGAGAAACAGCTATCTACCTACCTCCTCCACTTGTGC[C>T]TGGGTTTGCTGTAGTCGTCTGTTACTGGTCATGTTAGGAGGAGGGCCAGGGGGACCCCCA-3'
Protein context (NP_055046.1, residues 28-48): MTSNRRLQQT[Gln38=]AQVEEVVDII